The following is an entry in ClinVar:

ClinVar aggregate classification (germline): Benign. Review status: criteria provided, multiple submitters, no conflicts (2 of 4 stars). 2 submissions from 2 submitters: Benign (2). Last evaluated 2018-01-12.

Conditions:
Bardet-Biedl syndrome 10 (BBS10). Identifiers: Orphanet 110, MedGen C1859568, MONDO:0014438, OMIM 615987.

Allele frequency attached by ClinVar (database versions not stated): 1000 Genomes Project 0.04812; gnomAD 0.06848 and 0.07011; TOPMed 0.06590; gnomAD exomes 0.06883.
gnomAD v4.1: 10,743 of 152,716 alleles (7%); highest among the groups gnomAD compares: Middle Eastern, 15%; 506 homozygotes.

Submissions (2):

Illumina Laboratory Services, Illumina
Classification: Benign for Bardet-Biedl syndrome 10. Last evaluated: 2018-01-12. Review status: criteria provided, single submitter. Criteria: ICSL Variant Classification Criteria 13 December 2019. Collection method: clinical testing. Allele origin: germline.
Comment: This variant was observed in the ICSL laboratory as part of a predisposition screen in an ostensibly healthy population. It had not been previously curated by ICSL or reported in the Human Gene Mutation Database (HGMD: prior to June 1st, 2018), and was therefore a candidate for classification through an automated scoring system. Utilizing variant allele frequency, disease prevalence and penetrance estimates, and inheritance mode, an automated score was calculated to assess if this variant is too frequent to cause the disease. Based on the score and internal cut-off values, a variant classified as benign is not then subjected to further curation. The score for this variant resulted in a classification of benign for this disease.

Breakthrough Genomics
Classification: Benign. Review status: criteria provided, single submitter. Criteria: ACMG Guidelines, 2015. Collection method: not provided. Allele origin: germline. Inheritance: Autosomal recessive inheritance. Affected: yes.

NM_024685.4(BBS10):c.*498A>G

Gene: BBS10 (Bardet-Biedl syndrome 10; minus strand). Cytogenetic location: 12q21.2.
Variant type: single nucleotide variant.
Coding change: c.*498A>G on transcript NM_024685.4 (MANE Select); 498 bases downstream of the stop codon, A replaced by G.
Molecular consequence: 3 prime UTR variant.
Genome position (GRCh38, 1-based): chr12:76,345,315, T>C on the plus strand (A>G on the coding strand, the complement: BBS10 is on the minus strand). VCF-style: chr12-76345315-T-C. GRCh37 (hg19) VCF-style: chr12-76739095-T-C.
Other names: c.*498A>G (LRG_1255t1).
Identifiers: ClinVar variation 310483 (VCV000310483.6), dbSNP rs79517322, ClinGen allele CA10643387.
Genomic context (GRCh38, chr12:76,345,315, plus strand): 5'-TTAATTTTATGCTTTTTGAAAAAAAATTTGAGCCTTTTACTCACTGCTAATTTAATTTTA[T>C]GCTTTTTGAAAAAAATAATTTGAGCCTTTTACTCAGCTTTACAAAGTATGAGTAGGGAAA-3'